The following is an entry in ClinVar:

NM_001005373.4(LRSAM1):c.2104_2133dup (p.Pro702_Gln711dup)

Gene: LRSAM1 (leucine rich repeat and sterile alpha motif containing 1; plus strand). Cytogenetic location: 9q34.11.
Variant type: Duplication.
Coding change: c.2104_2133dup on transcript NM_001005373.4 (MANE Select); coding-DNA positions 2104 to 2133, 30 bases duplicated (CCACTGCGCACCTGCCCGCTGTGCCGCCAG).
Protein change: p.Pro702_Gln711dup.
Molecular consequence: inframe insertion. On other transcripts: non-coding transcript variant (2).
Genome position (GRCh38, 1-based): chr9:127,502,831-127,502,860, CCACTGCGCACCTGCCCGCTGTGCCGCCAG duplicated; duplicating any 30 consecutive bases within chr9:127,502,826-127,502,860 gives the same sequence; the c. name uses the placement nearest the transcript's 3' end. VCF-style (leftmost placement, unchanged base first): chr9-127502825-T-TGCCAGCCACTGCGCACCTGCCCGCTGTGCC. GRCh37 (hg19) VCF-style: chr9-130265104-T-TGCCAGCCACTGCGCACCTGCCCGCTGTGCC.
Other names: c.2104_2133dup, p.Pro702_Gln711dup (NM_001005374.4, NM_001384142.1, NM_138361.5); c.2023_2052dup, p.Pro675_Gln684dup (NM_001190723.3); c.2005_2034dup, p.Pro669_Gln678dup (NM_001384143.1); c.1315_1344dup, p.Pro439_Gln448dup (NM_001384144.1).
Identifiers: ClinVar variation 585203 (VCV000585203.3), dbSNP rs1564287871, ClinGen allele CA891842679.
Genomic context (GRCh38, chr9:127,502,825, plus strand): 5'-CCTCCCCAGGCCCAGATGATCTTCCTCAACTGTGGCCACGTCTGCTGCTGCCAGCAGTGC[T>TGCCAGCCACTGCGCACCTGCCCGCTGTGCC]GCCAGCCACTGCGCACCTGCCCGCTGTGCCGCCAGGACATCGCCCAGCGCCTCCGCATCT-3'

ClinVar aggregate classification (germline): Likely pathogenic. Review status: criteria provided, single submitter (1 of 4 stars). 2 submissions from 2 submitters: Likely pathogenic (1). 1 of the submissions does not count toward it. Last evaluated 2024-09-05.

Conditions:
Charcot-Marie-Tooth disease axonal type 2P. Also called: CHARCOT-MARIE-TOOTH NEUROPATHY, TYPE 2P; Charcot-Marie-Tooth Neuropathy Type 2G; CHARCOT-MARIE-TOOTH DISEASE, AXONAL, TYPE 2G; CMT 2G. Identifiers: Orphanet 300319, Orphanet 99941, MedGen C3280797, MONDO:0013753, OMIM 614436.

Submissions (2):

Labcorp Genetics (formerly Invitae), Labcorp
Classification: Likely pathogenic for Charcot-Marie-Tooth disease axonal type 2P. Last evaluated: 2024-09-05. Review status: criteria provided, single submitter. Criteria: Invitae Variant Classification Sherloc (09022015). Collection method: clinical testing. Allele origin: germline.
Comment: This variant, c.2104_2133dup, results in the insertion of 10 amino acid(s) of the LRSAM1 protein (p.Pro702_Gln711dup), but otherwise preserves the integrity of the reading frame. This variant is not present in population databases (gnomAD no frequency). This variant has been observed in individuals with clinical features of autosomal dominant Charcot-Marie-Tooth disease (PMID: 30996334; internal data). It has also been observed to segregate with disease in related individuals. ClinVar contains an entry for this variant (Variation ID: 585203). Experimental studies and prediction algorithms are not available or were not evaluated, and the functional significance of this variant is currently unknown. In summary, the currently available evidence indicates that the variant is pathogenic, but additional data are needed to prove that conclusively. Therefore, this variant has been classified as Likely Pathogenic.

Biochimie - Maladies Neurologiques Hereditaires, Hospices Civils de Lyon
Classification: Pathogenic for Charcot-Marie-Tooth disease axonal type 2P. Last evaluated: 2018-06-29. Review status: no assertion criteria provided. Collection method: clinical testing. Allele origin: inherited. Affected: yes. Not counted in ClinVar's aggregate classification.

Literature cited by the submitters: PubMed 30996334 (cited by Labcorp Genetics (formerly Invitae), Labcorp).